The following is an entry in ClinVar:

NM_001429.4(EP300):c.2102A>T (p.Gln701Leu)

Gene: EP300 (E1A binding protein p300; plus strand). Cytogenetic location: 22q13.2.
Variant type: single nucleotide variant.
Coding change: c.2102A>T on transcript NM_001429.4 (MANE Select); coding-DNA position 2102, A replaced by T.
Protein change: p.Gln701Leu; replaces glutamine 701 with leucine.
Molecular consequence: missense variant. On other transcripts: intron variant (1).
Genome position (GRCh38, 1-based): chr22:41,146,787, A>T. VCF-style: chr22-41146787-A-T. GRCh37 (hg19) VCF-style: chr22-41542791-A-T.
Other names: c.2054-1050A>T (NM_001362843.2); short protein forms Q701L.
Identifiers: ClinVar variation 1810509 (VCV001810509.1), dbSNP rs764358336, ClinGen allele CA324533595.

ClinVar aggregate classification (germline): Uncertain significance (1 of 4 stars; one submission).

Allele frequency attached by ClinVar (database versions not stated): gnomAD exomes 0.00001.
gnomAD v4.1: 11 of 1,614,212 alleles (0.00068%); highest among the groups gnomAD compares: Non-Finnish European, 0.00093%; no homozygotes.

Submission:

GeneDx
Classification: Uncertain significance. Last evaluated: 2022-07-06. Review status: criteria provided, single submitter. Criteria: GeneDx Variant Classification Process June 2021. Collection method: clinical testing. Allele origin: germline. Affected: yes.
Comment: Not observed at significant frequency in large population cohorts (gnomAD); In silico analysis supports that this missense variant has a deleterious effect on protein structure/function; Has not been previously published as pathogenic or benign to our knowledge